The following is an entry in ClinVar:

ClinVar aggregate classification (germline): Uncertain significance. Review status: criteria provided, multiple submitters, no conflicts (2 of 4 stars). 2 submissions from 2 submitters: Uncertain significance (2). Last evaluated 2024-03-07.

Conditions:
Inborn genetic diseases. Identifiers: MedGen C0950123, MeSH D030342.
Inflammatory skin and bowel disease, neonatal, 1. Identifiers: Orphanet 294023, MedGen C3280501, MONDO:0013693, OMIM 614328.

Allele frequency attached by ClinVar (database versions not stated): gnomAD exomes below 0.00001; ExAC 0.00001; 1000 Genomes Project 30x 0.00016; 1000 Genomes Project 0.00020.
gnomAD v4.1: 6 of 1,614,082 alleles (0.00037%); highest among the groups gnomAD compares: Non-Finnish European, 0.00051%; no homozygotes.

Submissions (2):

Ambry Genetics
Classification: Uncertain significance for Inborn genetic diseases. Last evaluated: 2024-03-07. Review status: criteria provided, single submitter. Criteria: Ambry Variant Classification Scheme 2023. Collection method: clinical testing. Allele origin: germline.

Labcorp Genetics (formerly Invitae), Labcorp
Classification: Uncertain significance for Inflammatory skin and bowel disease, neonatal, 1. Last evaluated: 2022-06-14. Review status: criteria provided, single submitter. Criteria: Invitae Variant Classification Sherloc (09022015). Collection method: clinical testing. Allele origin: germline.
Comment: In summary, the available evidence is currently insufficient to determine the role of this variant in disease. Therefore, it has been classified as a Variant of Uncertain Significance. Algorithms developed to predict the effect of missense changes on protein structure and function are either unavailable or do not agree on the potential impact of this missense change (SIFT: "Not Available"; PolyPhen-2: "Possibly Damaging"; Align-GVGD: "Not Available"). This variant has not been reported in the literature in individuals affected with ADAM17-related conditions. This variant is present in population databases (rs144014465, gnomAD 0.0009%). This sequence change replaces threonine, which is neutral and polar, with alanine, which is neutral and non-polar, at codon 541 of the ADAM17 protein (p.Thr541Ala).

NM_003183.6(ADAM17):c.1621A>G (p.Thr541Ala)

Genes: ADAM17 (ADAM metallopeptidase domain 17; minus strand), IAH1 (isoamyl acetate hydrolyzing esterase 1 (putative); plus strand). Cytogenetic location: 2p25.1.
Variant type: single nucleotide variant.
Coding change: c.1621A>G on transcript NM_003183.6 (MANE Select); coding-DNA position 1621, A replaced by G.
Protein change: p.Thr541Ala; replaces threonine 541 with alanine.
Molecular consequence: missense variant.
Genome position (GRCh38, 1-based): chr2:9,502,200, T>C on the plus strand (A>G on the coding strand, the complement: ADAM17 is on the minus strand). VCF-style: chr2-9502200-T-C. GRCh37 (hg19) VCF-style: chr2-9642329-T-C.
Other names: c.1621A>G (NM_003183.4); c.961A>G, p.Thr321Ala (NM_001382777.1); c.724A>G, p.Thr242Ala (NM_001382778.1); short protein forms T321A, T242A, T541A.
Identifiers: ClinVar variation 2084371 (VCV002084371.5), dbSNP rs144014465, ClinGen allele CA1523460.
Genomic context (GRCh38, chr2:9,502,200, plus strand): 5'-ACAGCATTCCAAGGAAGCAACAAGAACACGAACCTGTGCAGTAGGACACGCCTTTGCAAG[T>C]AGCATTAATCGCCTCCTGGCACTTCTTCTGGGCAGTCTCAAACTGACAGTTTTTACAGCA-3'
Protein context (NP_003174.3, residues 531-551): QKKCQEAINA[Thr541Ala]CKGVSYCTGN